The following is an entry in ClinVar:

ClinVar aggregate classification (germline): Likely benign (1 of 4 stars; one submission).

Allele frequency attached by ClinVar (database versions not stated): TOPMed 0.00001; ExAC 0.00002; gnomAD 0.00003; gnomAD exomes 0.00008.
gnomAD v4.1: 119 of 1,614,060 alleles (0.0074%); highest among the groups gnomAD compares: Non-Finnish European, 0.0095%; no homozygotes.

Submission:

CeGaT Center for Human Genetics Tuebingen
Classification: Likely benign. Last evaluated: 2024-05-01. Review status: criteria provided, single submitter. Criteria: CeGaT Center For Human Genetics Tuebingen Variant Classification Criteria Version 2. Collection method: clinical testing. Allele origin: germline. Affected: yes. Observed: 1 variant allele.
Comment: EPOR: BP4

NM_000121.4(EPOR):c.953G>A (p.Ser318Asn)

Gene: EPOR (erythropoietin receptor; minus strand). Cytogenetic location: 19p13.2.
Variant type: single nucleotide variant.
Coding change: c.953G>A on transcript NM_000121.4 (MANE Select); coding-DNA position 953, G replaced by A.
Protein change: p.Ser318Asn; replaces serine 318 with asparagine.
Molecular consequence: missense variant. On other transcripts: non-coding transcript variant (1).
Genome position (GRCh38, 1-based): chr19:11,378,558, C>T on the plus strand (G>A on the coding strand, the complement: EPOR is on the minus strand). VCF-style: chr19-11378558-C-T. GRCh37 (hg19) VCF-style: chr19-11489234-C-T.
Other names: short protein forms S318N.
Identifiers: ClinVar variation 3239294 (VCV003239294.19), dbSNP rs759093549.
Genomic context (GRCh38, chr19:11,378,558, plus strand): 5'-CAGCGCTCTGAGAGGACTTCCAGGGAAGCAGGTGGGTCCTCCGTGAAGGGGGTGCAGGGG[C>T]TCCACCACAGGCAGCCATCATTCTGGTACAGCCACAGCTGAAGAAATAGCACCAACCTGC-3'
Protein context (NP_000112.1, residues 308-328): LYQNDGCLWW[Ser318Asn]PCTPFTEDPP